The following is an entry in ClinVar:

ClinVar aggregate classification (germline): Benign (0 of 4 stars; one submission).

Conditions:
INPP5B-related disorder. Also called: INPP5B-related condition.

Allele frequency attached by ClinVar (database versions not stated): ESP Exome Variant Server 0.00016; TOPMed 0.00024; gnomAD exomes 0.00074; 1000 Genomes Project 30x 0.00094; gnomAD 0.00100; ExAC 0.00109; 1000 Genomes Project 0.00120.
gnomAD v4.1: 1,224 of 1,614,006 alleles (0.076%); highest among the groups gnomAD compares: Non-Finnish European, 0.051%; 5 homozygotes.

Submission:

PreventionGenetics, part of Exact Sciences
Classification: Benign for INPP5B-related condition. Last evaluated: 2019-11-27. Review status: no assertion criteria provided. Collection method: clinical testing. Allele origin: germline.
Comment: This variant is classified as benign based on ACMG/AMP sequence variant interpretation guidelines (Richards et al. 2015 PMID: 25741868, with internal and published modifications).

NM_005540.3(INPP5B):c.275T>A (p.Ile92Asn)

Gene: INPP5B (inositol polyphosphate-5-phosphatase B; minus strand). Cytogenetic location: 1p34.3.
Variant type: single nucleotide variant.
Coding change: c.275T>A on transcript NM_005540.3 (MANE Select); coding-DNA position 275, T replaced by A.
Protein change: p.Ile92Asn; replaces isoleucine 92 with asparagine.
Molecular consequence: missense variant. On other transcripts: 5 prime UTR variant (3), non-coding transcript variant (3).
Genome position (GRCh38, 1-based): chr1:37,943,645, A>T on the plus strand (T>A on the coding strand, the complement: INPP5B is on the minus strand). VCF-style: chr1-37943645-A-T. GRCh37 (hg19) VCF-style: chr1-38409317-A-T.
Other names: c.275T>A, p.Ile92Asn (NM_001365820.1, NM_001365821.1); c.209T>A, p.Ile70Asn (NM_001365822.1); c.-100T>A (NM_001365823.1); c.-103T>A (NM_001365824.1); c.-83T>A (NM_001365825.1); short protein forms I70N, I92N.
Identifiers: ClinVar variation 3048120 (VCV003048120.2), dbSNP rs201533855, ClinGen allele CA776354.